The following is an entry in ClinVar:

ClinVar aggregate classification (germline): Benign. Review status: criteria provided, single submitter (1 of 4 stars). 2 submissions from 1 submitter: Benign (2). Last evaluated 2018-01-13.

Conditions:
Ocular cystinosis. Also called: Non-Nephropathic (Ocular) Cystinosis; Non-Nephropathic Cystinosis. Identifiers: Orphanet 213, Orphanet 411641, MedGen C2931013, MONDO:0009064, OMIM 219750.
Nephropathic cystinosis (CTNS). Also called: CYSTINOSIN, DEFECT OF; LYSOSOMAL CYSTINE TRANSPORT PROTEIN, DEFECT OF; Abderhalden Lignac Kaufmann disease; Abderhalden-Kaufmann-Lignac syndrome. Identifiers: Orphanet 213, Orphanet 411629, MedGen C2931187, MONDO:0100151, OMIM 219800.

Allele frequency attached by ClinVar (database versions not stated): 1000 Genomes Project 0.03015; 1000 Genomes Project 30x 0.03279; TOPMed 0.03330; gnomAD 0.03388 and 0.03574.

Submissions (2):

Illumina Laboratory Services, Illumina
Classification: Benign for Nephropathic cystinosis. Last evaluated: 2018-01-13. Review status: criteria provided, single submitter. Criteria: ICSL Variant Classification Criteria 13 December 2019. Collection method: clinical testing. Allele origin: germline.
Comment: This variant was observed in the ICSL laboratory as part of a predisposition screen in an ostensibly healthy population. It had not been previously curated by ICSL or reported in the Human Gene Mutation Database (HGMD: prior to June 1st, 2018), and was therefore a candidate for classification through an automated scoring system. Utilizing variant allele frequency, disease prevalence and penetrance estimates, and inheritance mode, an automated score was calculated to assess if this variant is too frequent to cause the disease. Based on the score and internal cut-off values, a variant classified as benign is not then subjected to further curation. The score for this variant resulted in a classification of benign for this disease.

Illumina Laboratory Services, Illumina
Classification: Benign for Ocular cystinosis. Last evaluated: 2018-01-13. Review status: criteria provided, single submitter. Criteria: ICSL Variant Classification Criteria 13 December 2019. Collection method: clinical testing. Allele origin: germline.
Comment: the same text as in the submission from Illumina Laboratory Services, Illumina above.

NM_004937.3(CTNS):c.*2115G>A

Gene: CTNS (cystinosin, lysosomal cystine transporter; plus strand). Cytogenetic location: 17p13.2.
Variant type: single nucleotide variant.
Coding change: c.*2115G>A on transcript NM_004937.3 (MANE Select); 2115 bases downstream of the stop codon, G replaced by A.
Molecular consequence: 3 prime UTR variant.
Genome position (GRCh38, 1-based): chr17:3,662,484, G>A. VCF-style: chr17-3662484-G-A. GRCh37 (hg19) VCF-style: chr17-3565778-G-A.
Other names: c.*1750G>A (NM_001031681.3, NM_001374492.1); c.*2115G>A (NM_001374493.1, NM_001374494.1, NM_001374495.1 and 1 more transcripts).
Identifiers: ClinVar variation 322908 (VCV000322908.5), dbSNP rs77196744, ClinGen allele CA10649986.